The following is an entry in ClinVar:

NM_002241.5(KCNJ10):c.1051G>A (p.Asp351Asn)

Gene: KCNJ10 (potassium inwardly rectifying channel subfamily J member 10; minus strand). Cytogenetic location: 1q23.2.
Variant type: single nucleotide variant.
Coding change: c.1051G>A on transcript NM_002241.5 (MANE Select); coding-DNA position 1051, G replaced by A.
Protein change: p.Asp351Asn; replaces aspartic acid 351 with asparagine.
Molecular consequence: missense variant.
Genome position (GRCh38, 1-based): chr1:160,041,482, C>T on the plus strand (G>A on the coding strand, the complement: KCNJ10 is on the minus strand). VCF-style: chr1-160041482-C-T. GRCh37 (hg19) VCF-style: chr1-160011272-C-T.
Other names: short protein forms D351N.
Identifiers: ClinVar variation 451985 (VCV000451985.14), dbSNP rs373899425, ClinGen allele CA1193166.
Genomic context (GRCh38, chr1:160,041,482, plus strand): 5'-CACTGCCCTCCTTCTCAGCTTGCTCCCTTAATGACTCCTCCAACTTGAGCTTTTCAGGGT[C>T]TCCGTAGCGTACAGTGCTGTCACGGAGGCCACTAGGAGAGGCCACTTTCACAACTTGGTC-3'
Protein context (NP_002232.2, residues 341-361): GLRDSTVRYG[Asp351Asn]PEKLKLEESL

ClinVar aggregate classification (germline): Conflicting classifications of pathogenicity. Review status: criteria provided, conflicting classifications (1 of 4 stars). 5 submissions from 5 submitters: Uncertain significance (2); Likely benign (2). 1 of the submissions does not count toward it. Last evaluated 2025-09-27.

Conditions:
Inborn genetic diseases. Identifiers: MedGen C0950123, MeSH D030342.
Autosomal recessive nonsyndromic hearing loss 4 (DFNB4). Also called: NEUROSENSORY NONSYNDROMIC RECESSIVE DEAFNESS 4; Nonsyndromic enlarged vestibular aqueduct (NSEVA); Deafness, autosomal recessive 4; Enlarged vestibular aqueduct, digenic; FOXI1-Related Pendred Syndrome; KCNJ10-Related Pendred Syndrome. Identifiers: Orphanet 90636, MedGen C3538946, MONDO:0010933, OMIM 600791.
Pendred syndrome (PDS). Also called: Pendred Syndrome (PDS); THYROID DYSHORMONOGENESIS 2B; THYROID HORMONOGENESIS, GENETIC DEFECT IN, 2B; DEAFNESS WITH GOITER; GOITER-DEAFNESS SYNDROME; HYPOTHYROIDISM, CONGENITAL, DUE TO DYSHORMONOGENESIS, 2B. Identifiers: Orphanet 705, MedGen C0271829, MONDO:0010134, OMIM 274600.
EAST syndrome (SESAMES). Also called: SEIZURES, SENSORINEURAL DEAFNESS, ATAXIA, IMPAIRED INTELLECTUAL DEVELOPMENT, AND ELECTROLYTE IMBALANCE. Identifiers: Orphanet 199343, MedGen C2748572, MONDO:0013005, OMIM 612780.
Intellectual disability. Also called: Intellectual developmental disorder; Intellectual functioning disability; intellectual disabilities. Identifiers: MedGen C3714756, MeSH D008607, MONDO:0001071, HP:0001249.

Allele frequency attached by ClinVar (database versions not stated): TOPMed 0.00003; gnomAD exomes 0.00012 and 0.00008; ExAC 0.00014; gnomAD 0.00001 and 0.00005; ESP Exome Variant Server 0.00008.
gnomAD v4.1: 120 of 1,614,048 alleles (0.0074%); highest among the groups gnomAD compares: South Asian, 0.09%; 1 homozygote.

Submissions (5):

Labcorp Genetics (formerly Invitae), Labcorp
Classification: Likely benign for EAST syndrome. Last evaluated: 2025-09-27. Review status: criteria provided, single submitter. Criteria: Invitae Variant Classification Sherloc (09022015). Collection method: clinical testing. Allele origin: germline.

Ambry Genetics
Classification: Likely benign for Inborn genetic diseases. Last evaluated: 2024-03-25. Review status: criteria provided, single submitter. Criteria: Ambry Variant Classification Scheme 2023. Collection method: clinical testing. Allele origin: germline.

Fulgent Genetics
Classification: Uncertain significance for Pendred syndrome; Autosomal recessive nonsyndromic hearing loss 4; EAST syndrome. Last evaluated: 2018-10-31. Review status: criteria provided, single submitter. Criteria: ACMG Guidelines, 2015. Collection method: clinical testing. Allele origin: unknown.

GeneDx
Classification: Uncertain significance. Last evaluated: 2017-09-08. Review status: criteria provided, single submitter. Criteria: GeneDx Variant Classification (06012015). Collection method: clinical testing. Allele origin: germline. Affected: yes.
Comment: A variant of uncertain significance has been identified in the KCNJ10 gene. The D351N variant has not been published as a pathogenic variant, nor has it been reported as a benign variant to our knowledge. The D351N variant is observed in 14/16344 (0.01%) alleles from individuals of South Asian background (Lek et al., 2016; 1000 Genomes Consortium et al., 2015; Exome Variant Server). The D351N variant is a semi-conservative amino acid substitution, which may impact secondary protein structure as these residues differ in some properties. This substitution occurs at a position that is conserved across species, and in silico analysis predicts this variant is probably damaging to the protein structure/function. Based on the currently available information, it is unclear whether this variant is a pathogenic variant or a rare benign variant.

Centre de Biologie Pathologie Génétique, Centre Hospitalier Universitaire de Lille
Classification: Likely benign for Intellectual disability. Last evaluated: 2019-01-01. Review status: no assertion criteria provided. Collection method: clinical testing. Allele origin: inherited. Affected: yes. Not counted in ClinVar's aggregate classification.